The following is an entry in ClinVar:

NM_000037.4(ANK1):c.1319C>T (p.Pro440Leu)

Gene: ANK1 (ankyrin 1; minus strand). Cytogenetic location: 8p11.21.
Variant type: single nucleotide variant.
Coding change: c.1319C>T on transcript NM_000037.4 (MANE Select); coding-DNA position 1319, C replaced by T.
Protein change: p.Pro440Leu; replaces proline 440 with leucine.
Molecular consequence: missense variant.
Genome position (GRCh38, 1-based): chr8:41,717,038, G>A on the plus strand (C>T on the coding strand, the complement: ANK1 is on the minus strand). VCF-style: chr8-41717038-G-A. GRCh37 (hg19) VCF-style: chr8-41574556-G-A.
Other names: c.1418C>T, p.Pro473Leu (NM_001142446.2); c.1319C>T, p.Pro440Leu (NM_020475.3, NM_020476.3, NM_020477.3); short protein forms P440L, P473L.
Identifiers: ClinVar variation 3362348 (VCV003362348.4).
Genomic context (GRCh38, chr8:41,717,038, plus strand): 5'-TTGTTCTGGAGTAAATATTTGGCCACTTCCGTGTGCCCGGCTCTGGCTGCCATGTGTAGC[G>A]GGGTCTCCACTTTCTATAAAATAACAAAATTATAGAACTGTTCATACATGCCTGCTGTCC-3'
Protein context (NP_000028.3, residues 430-450): PNVSNVKVET[Pro440Leu]LHMAARAGHT

ClinVar aggregate classification (germline): Uncertain significance. Review status: criteria provided, multiple submitters, no conflicts (2 of 4 stars). 2 submissions from 2 submitters: Uncertain significance (2). Last evaluated 2025-07-09.

Conditions:
Hereditary spherocytosis type 1. Also called: Spherocytosis type 1; ANK1-Related Spherocytosis. Identifiers: Orphanet 822, MedGen C2674218, MONDO:0008447, OMIM 182900.

gnomAD v4.1: 45 of 1,614,178 alleles (0.0028%); highest among the groups gnomAD compares: South Asian, 0.0044%; no homozygotes.

Submissions (2):

Labcorp Genetics (formerly Invitae), Labcorp
Classification: Uncertain significance. Last evaluated: 2025-07-09. Review status: criteria provided, single submitter. Criteria: Invitae Variant Classification Sherloc (09022015). Collection method: clinical testing. Allele origin: germline.
Comment: This sequence change replaces proline, which is neutral and non-polar, with leucine, which is neutral and non-polar, at codon 440 of the ANK1 protein (p.Pro440Leu). This variant is present in population databases (rs201135032, gnomAD 0.003%). This variant has not been reported in the literature in individuals affected with ANK1-related conditions. ClinVar contains an entry for this variant (Variation ID: 3362348). An algorithm developed to predict the effect of missense changes on protein structure and function (PolyPhen-2) suggests that this variant is likely to be disruptive. In summary, the available evidence is currently insufficient to determine the role of this variant in disease. Therefore, it has been classified as a Variant of Uncertain Significance.

Neuberg Centre For Genomic Medicine, NCGM
Classification: Uncertain significance for Hereditary spherocytosis type 1. Last evaluated: 2023-05-20. Review status: criteria provided, single submitter. Criteria: ACMG Guidelines, 2015. Collection method: clinical testing. Allele origin: germline. Inheritance: Autosomal dominant inheritance. Affected: yes.
Comment: The observed missense variant c.1319C>T(p.Pro440Leu) in ANK1 gene has not been reported previously as a pathogenic variant nor as a benign variant, to our knowledge. The c.1319C>T variant has 0.001% allele frequency in gnomAD Exomes. The amino acid Proline at position 440 is changed to a Leucine changing protein sequence and it might alter its composition and physico-chemical properties. Multiple lines of computational evidence (Polyphen-probabaly damaging, SIFT-damaging and Mutation Taster- disease causing) predict a damaging effect on protein structure and function for this variant. The reference amino acid p.Pro440Leu in ANK1 is predicted as conserved by GERP++ and PhyloP across 100 vertebrates. For these reasons, this variant has been classified as Uncertain Significance.